The following is an entry in ClinVar:

NM_000531.6(OTC):c.814GAG[1] (p.Glu273del)

Gene: OTC (ornithine transcarbamylase; plus strand). Cytogenetic location: Xp11.4.
Variant type: Microsatellite.
Coding change: c.814GAG[1] on transcript NM_000531.6 (MANE Select); one copy of the 3-base unit GAG starting at c.814; the reference has two copies in a row; one copy, 3 bases deleted; also written c.817_819del.
Protein change: p.Glu273del; deletes glutamic acid 273.
Molecular consequence: inframe deletion.
Genome position (GRCh38, 1-based): chrX:38,408,975-38,408,977, GAG deleted; deleting any 3 consecutive bases within chrX:38,408,972-38,408,977 gives the same sequence; the position shown is the placement nearest the transcript's 3' end. VCF-style (leftmost placement, unchanged base first): chrX-38408971-AGAG-A. GRCh37 (hg19) VCF-style: chrX-38268224-AGAG-A.
Other names: p.Glu273del; NM_000531.6(OTC):c.814GAG[1]; c.817_819del (NM_000531.5, NM_000531.6); c.817_819delGAG (NM_000531.6); short protein forms E273del.
Identifiers: ClinVar variation 97337 (VCV000097337.24), dbSNP rs72558452, ClinGen allele CA224805.
Genomic context (GRCh38, chrX:38,408,971, plus strand): 5'-GGAAGCAGCGCATGGAGGCAATGTATTAATTACAGACACTTGGATAAGCATGGGACAAGA[AGAG>A]GAGAAGAAAAAGCGGCTCCAGGCTTTCCAAGGTTACCAGGTTACAATGAAGGTACAAATT-3'

ClinVar aggregate classification (germline): Likely pathogenic. Review status: reviewed by expert panel (3 of 4 stars). 12 submissions from 12 submitters: Likely pathogenic (1). 11 of the submissions do not count toward it. Last evaluated 2026-06-11.

Conditions:
OTC-related disorder. Also called: OTC-related condition.
Ornithine carbamoyltransferase deficiency (OTCD). Also called: OTC DEFICIENCY; Ornithine Carbamoyltransferase Deficiency Disease; ORNITHINE TRANSCARBAMYLASE DEFICIENCY, HYPERAMMONEMIA DUE TO; ORNITHINE TRANSCARBAMYLASE DEFICIENCY. Identifiers: Orphanet 664, MedGen C0268542, MONDO:0010703, OMIM 311250.

Submissions (12):

Clingen Urea Cycle Disorders Variant Curation Expert Panel, ClinGen
Classification: Likely pathogenic for Ornithine carbamoyltransferase deficiency. Last evaluated: 2026-06-11. Review status: reviewed by expert panel. Criteria: ClinGen UreaCycles ACMG Specifications OTC V1.0. Collection method: curation. Allele origin: germline. Inheritance: X-linked inheritance.
Comment: The NM_000531.6:c.817_819del variant in OTC is predicted to cause a change in the length of the protein due to an in-frame deletion of 1 amino acid (p.Glu273del) in a non-repeat region (PM4). This variant has been reported in 4 additional probands (3 male, 1 female) with biochemical and clinical evidence of OTC deficiency, with onset between 1.5 months and 18 years (PS4_Moderate; PMID: 34014557, 10799432, 17334707, 32420033). The group max filtering allele frequency (Grpmax FAF) in gnomAD v4.1 is 3.800e-7 in European (non-Finnish) population, with 1 hemizygotes across all populations. This is lower than the ClinGen UCD VCEP threshold (<1.5e-5 AND ≤1 hemizygotes) for PM2_Supporting, meeting this criterion (PM2_Supporting). In summary, this variant meets the criteria to be classified as Likely Pathogenic for X-linked ornithine carbamoyltransferase deficiency. Although there are both pathogenic and benign types of evidence, this variant is associated with late-onset OTC deficiency, expression and penetrance may vary depending on environmental factors, and the absence of clinical phenotype in the individuals reported above is not considered inconsistent with the final classification. ACMG/AMP criteria applied, as specified by the ClinGen Urea Cycle Disorders VCEP (OTC specifications version 1.0.0), 02/09/2025: PM4, PP4_Moderate, PS4_Moderate, PM2_Supporting, BS4_Supporting.

Department of Molecular Genetics, Istishari Arab Hospital
Classification: Pathogenic for Ornithine carbamoyltransferase deficiency. Last evaluated: 2025-04-26. Review status: criteria provided, single submitter. Criteria: ACMG Guidelines, 2015. Collection method: clinical testing. Allele origin: de novo. Inheritance: X-linked inheritance. Affected: yes. Not counted in ClinVar's aggregate classification.
Comment: The OTC c.817_819delGAG (p.Glu273del) variant results in an in-frame deletion of a single glutamic acid residue at position 273 of the ornithine transcarbamylase protein. This deletion occurs in a conserved region of the gene and is expected to alter protein structure or function. The variant is observed at an extremely low frequency in the general population (5.5e-06 in 183,136 alleles in gnomAD), supporting PM2_Supporting. It has been reported in multiple unrelated individuals diagnosed with ornithine transcarbamylase deficiency, providing moderate evidence for pathogenicity (PS4_Supporting). Literature sources supporting this include Segues et al. (1996), Arranz et al. (2007), Martin-Hernandez et al. (2014), Gobin-Limballe et al. (2021), and Toquet et al. (2021), with associated publications PMID: 8956045, 17334707, 25433810, 34014569, and 34014557. This variant is also present in ClinVar (Variation ID: 97337) with multiple submissions supporting a pathogenic classification. Given that this is a non-repeat, in-frame deletion affecting a functionally relevant residue, PM4 is also applied. Additionally, the variant has been observed as a likely de novo change in at least one individual with consistent clinical features (PM6_Supporting), and the phenotype observed is highly specific for OTC deficiency (PP4). Based on the ACMG/AMP criteria, this variant is classified as pathogenic (criteria met: PM2_Supporting, PM4, PS4_Supporting, PM6_Supporting, PP4).

Myriad Genetics, Inc.
Classification: Likely pathogenic for Ornithine carbamoyltransferase deficiency. Last evaluated: 2025-03-03. Review status: criteria provided, single submitter. Criteria: Myriad Autosomal Dominant, Autosomal Recessive and X-Linked Classification Criteria (2023). Collection method: clinical testing. Allele origin: unknown. Not counted in ClinVar's aggregate classification.
Comment: NM_000531.5(OTC):c.817_819delGAG(E273del) is an in-frame deletion classified as likely pathogenic in the context of ornithine transcarbamylase deficiency. E273del has been observed in cases with relevant disease (PMID: 25433810, 10946359, 10799432, 8956045, 32420033). Relevant functional assessments of this variant are not available in the literature. E273del has been observed in referenced population frequency databases. In summary, NM_000531.5(OTC):c.817_819delGAG(E273del) is an in-frame deletion that has been observed more frequently in cases with the relevant disease than in healthy populations. Please note: this variant was assessed in the context of healthy population screening.

Fulgent Genetics
Classification: Pathogenic for Ornithine carbamoyltransferase deficiency. Last evaluated: 2024-03-06. Review status: criteria provided, single submitter. Criteria: ACMG Guidelines, 2015. Collection method: clinical testing. Allele origin: germline. Not counted in ClinVar's aggregate classification.

Women's Health and Genetics/Laboratory Corporation of America, LabCorp
Classification: Pathogenic for Ornithine carbamoyltransferase deficiency. Last evaluated: 2024-03-05. Review status: criteria provided, single submitter. Criteria: LabCorp Variant Classification Summary - May 2015. Collection method: clinical testing. Allele origin: germline. Not counted in ClinVar's aggregate classification.
Comment: Variant summary: OTC c.817_819delGAG (p.Glu273del) results in an in-frame deletion that is predicted to remove one amino acid from the encoded protein. The variant allele was found at a frequency of 5.5e-06 in 183136 control chromosomes (gnomAD). c.817_819delGAG has been reported in the literature in multiple individuals affected with Ornithine Transcarbamylase Deficiency (Segues_1996, Arranz_2007, Martin-Hernandez_2014, Gobin-Limballe_2021, Toquet_2021). These data indicate that the variant is very likely to be associated with disease. The following publications have been ascertained in the context of this evaluation (PMID: 25433810, 17334707, 8956045, 34014569, 34014557). ClinVar contains an entry for this variant (Variation ID: 97337). Based on the evidence outlined above, the variant was classified as pathogenic.

Blueprint Genetics
Classification: Pathogenic for OTC-related disorders. Last evaluated: 2024-02-27. Review status: criteria provided, single submitter. Criteria: ACMG Guidelines, 2015. Collection method: clinical testing. Allele origin: germline. Affected: yes. Observed: 5 variant alleles. Not counted in ClinVar's aggregate classification.

Labcorp Genetics (formerly Invitae), Labcorp
Classification: Pathogenic for Ornithine carbamoyltransferase deficiency. Last evaluated: 2024-02-19. Review status: criteria provided, single submitter. Criteria: Invitae Variant Classification Sherloc (09022015). Collection method: clinical testing. Allele origin: germline. Not counted in ClinVar's aggregate classification.
Comment: This variant, c.817_819del, results in the deletion of 1 amino acid(s) of the OTC protein (p.Glu273del), but otherwise preserves the integrity of the reading frame. This variant is present in population databases (rs72558452, gnomAD 0.001%), including at least one homozygous and/or hemizygous individual. This variant has been observed in individual(s) with ornithine transcarbamylase deficiency (PMID: 8956045, 17334707, 25433810, 32420033, 34014557, 34014569). ClinVar contains an entry for this variant (Variation ID: 97337). Experimental studies and prediction algorithms are not available or were not evaluated, and the functional significance of this variant is currently unknown. For these reasons, this variant has been classified as Pathogenic.

Color Diagnostics, LLC DBA Color Health
Classification: Likely pathogenic for Ornithine carbamoyltransferase deficiency. Last evaluated: 2023-09-06. Review status: criteria provided, single submitter. Criteria: ACMG Guidelines, 2015. Collection method: clinical testing. Allele origin: germline. Not counted in ClinVar's aggregate classification.
Comment: This variant causes an in-frame deletion of one amino acid (glutamic acid) at codon 273 of the OTC protein. To our knowledge, functional studies have not been reported for this variant. This variant has been reported in multiple male and female individuals affected with late-onset ornithine transcarbamylase deficiency (PMID: 8956045, 10799432, 17334707, 25433810, 34014557, 35145162). This variant has been identified in 1/183136 chromosomes in the general population by the Genome Aggregation Database (gnomAD). Based on the available evidence, this variant is classified as Likely Pathogenic.

All of Us Research Program, National Institutes of Health
Classification: Likely pathogenic for Ornithine carbamoyltransferase deficiency. Last evaluated: 2023-06-26. Review status: criteria provided, single submitter. Criteria: ACMG Guidelines, 2015. Collection method: clinical testing. Allele origin: germline. Inheritance: X-linked inheritance. Observed: 1 variant allele, 1 heterozygote. Not counted in ClinVar's aggregate classification.
Comment: This variant causes an in-frame deletion of one amino acid (glutamic acid) at codon 273 of the OTC protein. To our knowledge, functional studies have not been reported for this variant. This variant has been reported in multiple male and female individuals affected with late-onset ornithine transcarbamylase deficiency (PMID: 8956045, 17334707, 25433810, 34014557, 35145162). This variant has been identified in 1/183136 chromosomes in the general population by the Genome Aggregation Database (gnomAD). Based on the available evidence, this variant is classified as Likely Pathogenic.

This study involves interpretation of variants in research participants for the purpose of population health screening. Participant phenotype was not available at the time of variant classification. Additional details can be found in publication PMID: 35346344, PMCID: PMC8962531

Baylor Genetics
Classification: Likely pathogenic for Ornithine carbamoyltransferase deficiency. Last evaluated: 2022-08-20. Review status: criteria provided, single submitter. Criteria: ACMG Guidelines, 2015. Collection method: clinical testing. Allele origin: unknown. Not counted in ClinVar's aggregate classification.

Juno Genomics, Hangzhou Juno Genomics, Inc
Classification: Likely pathogenic for Ornithine carbamoyltransferase deficiency. Review status: criteria provided, single submitter. Criteria: ACMG Guidelines, 2015. Collection method: clinical testing. Allele origin: germline. Not counted in ClinVar's aggregate classification.
Comment: Absent from controls (or at extremely low frequency if recessive) in Genome Aggregation Database.;Protein length changes due to in-frame deletions/insertions in a non-repeat region or stop-loss variants.;The prevalence of the variant in affected individuals is significantly increased compared to the prevalence in controls.;Assumed de novo, but without confirmation of paternity and maternity.;Patient's phenotype or family history is highly specific for a disease with a single genetic etiology.

GenMed Metabolism Lab
Classification: Pathogenic. Review status: no assertion criteria provided. Collection method: not provided. Allele origin: unknown. Not counted in ClinVar's aggregate classification.
Comment: p.Glu273del, Late
ClinVar note: Converted during submission from pathogenic to Pathogenic.

Literature cited by the submitters: PubMed 8956045 (cited by 6 submitters); PubMed 17334707 (cited by 5 submitters); PubMed 25433810 (cited by 6 submitters); PubMed 34014569 (cited by 3 submitters); PubMed 34014557 (cited by 5 submitters); PubMed 10799432 (cited by Myriad Genetics, Inc. and Color Diagnostics, LLC DBA Color Health); PubMed 10946359 (cited by Myriad Genetics, Inc.); PubMed 32420033 (cited by Myriad Genetics, Inc. and Labcorp Genetics (formerly Invitae), Labcorp); PubMed 35145162 (cited by Color Diagnostics, LLC DBA Color Health and All of Us Research Program, National Institutes of Health).